The following is an entry in ClinVar:

ClinVar aggregate classification (germline): Likely benign (1 of 4 stars; one submission).

Allele frequency attached by ClinVar (database versions not stated): gnomAD exomes below 0.00001; TOPMed below 0.00001; ExAC 0.00001.
gnomAD v4.1: 5 of 1,602,066 alleles (0.00031%); highest among the groups gnomAD compares: South Asian, 0.0044%; no homozygotes.

Submission:

CeGaT Center for Human Genetics Tuebingen
Classification: Likely benign. Last evaluated: 2023-08-01. Review status: criteria provided, single submitter. Criteria: CeGaT Center For Human Genetics Tuebingen Variant Classification Criteria Version 2. Collection method: clinical testing. Allele origin: germline. Affected: yes. Observed: 1 variant allele.
Comment: GSDME: BP4

NM_001127453.2(GSDME):c.1259T>C (p.Leu420Pro)

Gene: GSDME (gasdermin E; minus strand). Cytogenetic location: 7p15.3.
Variant type: single nucleotide variant.
Coding change: c.1259T>C on transcript NM_001127453.2 (MANE Select); coding-DNA position 1259, T replaced by C.
Protein change: p.Leu420Pro; replaces leucine 420 with proline.
Molecular consequence: missense variant.
Genome position (GRCh38, 1-based): chr7:24,699,258, A>G on the plus strand (T>C on the coding strand, the complement: GSDME is on the minus strand). VCF-style: chr7-24699258-A-G. GRCh37 (hg19) VCF-style: chr7-24738877-A-G.
Other names: c.767T>C, p.Leu256Pro (NM_001127454.2); c.1259T>C, p.Leu420Pro (NM_004403.3); short protein forms L256P, L420P.
Identifiers: ClinVar variation 2657353 (VCV002657353.24), dbSNP rs762628182, ClinGen allele CA4191308.
Genomic context (GRCh38, chr7:24,699,258, plus strand): 5'-TTCAGGGGAGTCAAGGTTGGGTCTTCAAGATCAGATACTCCATCATCAGACAGAGCACGA[A>G]GCTGAAATGACACATTTAAACAAATTCACTTTTAAAATGTCCTAAAAAATCCACATTGGA-3'
Protein context (NP_001120925.1, residues 410-430): LQIIPTLCHL[Leu420Pro]RALSDDGVSD